The following is an entry in ClinVar:

ClinVar aggregate classification (germline): Uncertain significance. Review status: criteria provided, multiple submitters, no conflicts (2 of 4 stars). 2 submissions from 2 submitters: Uncertain significance (2). Last evaluated 2022-12-16.

Conditions:
Werner syndrome (WRN). Identifiers: Orphanet 902, MedGen C0043119, MONDO:0010196, OMIM 277700.
Inborn genetic diseases. Identifiers: MedGen C0950123, MeSH D030342.

Allele frequency attached by ClinVar (database versions not stated): gnomAD exomes below 0.00001.
gnomAD v4.1: 1 of 1,595,742 alleles (0.000063%); highest among the groups gnomAD compares: Non-Finnish European, 0.000085%; no homozygotes.

Submissions (2):

Ambry Genetics
Classification: Uncertain significance for Inborn genetic diseases. Last evaluated: 2022-12-16. Review status: criteria provided, single submitter. Criteria: Ambry Variant Classification Scheme 2023. Collection method: clinical testing. Allele origin: germline.

Labcorp Genetics (formerly Invitae), Labcorp
Classification: Uncertain significance for Werner syndrome. Last evaluated: 2022-02-09. Review status: criteria provided, single submitter. Criteria: Invitae Variant Classification Sherloc (09022015). Collection method: clinical testing. Allele origin: germline.
Comment: This sequence change replaces valine, which is neutral and non-polar, with isoleucine, which is neutral and non-polar, at codon 639 of the WRN protein (p.Val639Ile). This variant is not present in population databases (gnomAD no frequency). This variant has not been reported in the literature in individuals affected with WRN-related conditions. ClinVar contains an entry for this variant (Variation ID: 645382). Algorithms developed to predict the effect of missense changes on protein structure and function output the following: SIFT: "Not Available"; PolyPhen-2: "Benign"; Align-GVGD: "Not Available". The isoleucine amino acid residue is found in multiple mammalian species, which suggests that this missense change does not adversely affect protein function. In summary, the available evidence is currently insufficient to determine the role of this variant in disease. Therefore, it has been classified as a Variant of Uncertain Significance.

NM_000553.6(WRN):c.1915G>A (p.Val639Ile)

Gene: WRN (WRN RecQ like helicase; plus strand). Cytogenetic location: 8p12.
Variant type: single nucleotide variant.
Coding change: c.1915G>A on transcript NM_000553.6 (MANE Select); coding-DNA position 1915, G replaced by A.
Protein change: p.Val639Ile; replaces valine 639 with isoleucine.
Molecular consequence: missense variant.
Genome position (GRCh38, 1-based): chr8:31,096,784, G>A. VCF-style: chr8-31096784-G-A. GRCh37 (hg19) VCF-style: chr8-30954300-G-A.
Other names: short protein forms V639I.
Identifiers: ClinVar variation 645382 (VCV000645382.3), dbSNP rs1585449230, ClinGen allele CA370929615.